The following is an entry in ClinVar:

ClinVar aggregate classification (germline): Uncertain significance (1 of 4 stars; one submission).

Conditions:
MHC class II deficiency. Also called: BLS, TYPE II; Bare lymphocyte syndrome 2. Identifiers: Orphanet 572, MedGen C5447452, MONDO:0008855.

Submission:

Labcorp Genetics (formerly Invitae), Labcorp
Classification: Uncertain significance for MHC class II deficiency. Last evaluated: 2021-09-21. Review status: criteria provided, single submitter. Criteria: Invitae Variant Classification Sherloc (09022015). Collection method: clinical testing. Allele origin: germline.
Comment: In summary, the available evidence is currently insufficient to determine the role of this variant in disease. Therefore, it has been classified as a Variant of Uncertain Significance. Algorithms developed to predict the effect of missense changes on protein structure and function are either unavailable or do not agree on the potential impact of this missense change (SIFT: "Tolerated"; PolyPhen-2: "Probably Damaging"; Align-GVGD: "Class C0"). This variant has not been reported in the literature in individuals with RFX5-related conditions. This variant is not present in population databases (ExAC no frequency). This sequence change replaces proline with serine at codon 72 of the RFX5 protein (p.Pro72Ser). The proline residue is moderately conserved and there is a moderate physicochemical difference between proline and serine.

NM_001025603.2(RFX5):c.214C>T (p.Pro72Ser)

Gene: RFX5 (regulatory factor X5; minus strand). Cytogenetic location: 1q21.3.
Variant type: single nucleotide variant.
Coding change: c.214C>T on transcript NM_001025603.2 (MANE Select); coding-DNA position 214, C replaced by T.
Protein change: p.Pro72Ser; replaces proline 72 with serine.
Molecular consequence: missense variant.
Genome position (GRCh38, 1-based): chr1:151,345,125, G>A on the plus strand (C>T on the coding strand, the complement: RFX5 is on the minus strand). VCF-style: chr1-151345125-G-A. GRCh37 (hg19) VCF-style: chr1-151317601-G-A.
Other names: c.214C>T, p.Pro72Ser (NM_000449.4, NM_001379412.1, NM_001379413.1 and 7 more transcripts); short protein forms P72S.
Identifiers: ClinVar variation 1464211 (VCV001464211.8), dbSNP rs2102067902, ClinGen allele CA341943599.